The following is an entry in ClinVar:

NM_000051.4(ATM):c.452C>G (p.Ser151Cys)

Gene: ATM (ATM serine/threonine kinase; plus strand). Cytogenetic location: 11q22.3.
Variant type: single nucleotide variant.
Coding change: c.452C>G on transcript NM_000051.4 (MANE Select); coding-DNA position 452, C replaced by G.
Protein change: p.Ser151Cys; replaces serine 151 with cysteine.
Molecular consequence: missense variant.
Genome position (GRCh38, 1-based): chr11:108,235,790, C>G. VCF-style: chr11-108235790-C-G. GRCh37 (hg19) VCF-style: chr11-108106517-C-G.
Other names: c.452C>G, p.Ser151Cys (NM_001351834.2); short protein forms S151C.
Identifiers: ClinVar variation 1052341 (VCV001052341.10), dbSNP rs1565357249, ClinGen allele CA382525355.

ClinVar aggregate classification (germline): Uncertain significance. Review status: criteria provided, multiple submitters, no conflicts (2 of 4 stars). 2 submissions from 2 submitters: Uncertain significance (2). Last evaluated 2025-04-14.

Conditions:
Ataxia-telangiectasia syndrome (AT). Also called: ATAXIA-TELANGIECTASIA, FRESNO VARIANT; Ataxia-telangiectasia, complementation group E; ATAXIA-TELANGIECTASIA, COMPLEMENTATION GROUP A; LOUIS-BAR SYNDROME; Ataxia-telangiectasia, complementation group D; AT, COMPLEMENTATION GROUP C. Identifiers: Orphanet 100, MedGen C0004135, MONDO:0008840, OMIM 208900.
Hereditary cancer-predisposing syndrome. Also called: Hereditary Cancer Syndrome; Tumor predisposition; Hereditary neoplastic syndrome; Neoplastic Syndromes, Hereditary. Identifiers: Orphanet 140162, MedGen C0027672, MeSH D009386, MONDO:0015356.

Submissions (2):

Labcorp Genetics (formerly Invitae), Labcorp
Classification: Uncertain significance for Ataxia-telangiectasia syndrome. Last evaluated: 2025-04-14. Review status: criteria provided, single submitter. Criteria: Invitae Variant Classification Sherloc (09022015). Collection method: clinical testing. Allele origin: germline.
Comment: This sequence change replaces serine, which is neutral and polar, with cysteine, which is neutral and slightly polar, at codon 151 of the ATM protein (p.Ser151Cys). This variant is not present in population databases (gnomAD no frequency). This variant has not been reported in the literature in individuals affected with ATM-related conditions. ClinVar contains an entry for this variant (Variation ID: 1052341). Invitae Evidence Modeling of protein sequence and biophysical properties (such as structural, functional, and spatial information, amino acid conservation, physicochemical variation, residue mobility, and thermodynamic stability) has been performed for this missense variant. However, the output from this modeling did not meet the statistical confidence thresholds required to predict the impact of this variant on ATM protein function. In summary, the available evidence is currently insufficient to determine the role of this variant in disease. Therefore, it has been classified as a Variant of Uncertain Significance.

Color Diagnostics, LLC DBA Color Health
Classification: Uncertain significance for Hereditary cancer-predisposing syndrome. Last evaluated: 2024-02-13. Review status: criteria provided, single submitter. Criteria: ACMG Guidelines, 2015. Collection method: clinical testing. Allele origin: germline.
Comment: This missense variant replaces serine with cysteine at codon 151 of the ATM protein. Computational prediction suggests that this variant may not impact protein structure and function. To our knowledge, functional studies have not been reported for this variant. This variant has not been reported in individuals affected with ATM-related disorders in the literature. This variant has not been identified in the general population by the Genome Aggregation Database (gnomAD). The available evidence is insufficient to determine the role of this variant in disease conclusively. Therefore, this variant is classified as a Variant of Uncertain Significance.